The following is an entry in ClinVar:

NM_001611.5(ACP5):c.188C>T (p.Ala63Val)

Gene: ACP5 (acid phosphatase 5, tartrate resistant; minus strand). Cytogenetic location: 19p13.2.
Variant type: single nucleotide variant.
Coding change: c.188C>T on transcript NM_001611.5 (MANE Select); coding-DNA position 188, C replaced by T.
Protein change: p.Ala63Val; replaces alanine 63 with valine.
Molecular consequence: missense variant.
Genome position (GRCh38, 1-based): chr19:11,577,130, G>A on the plus strand (C>T on the coding strand, the complement: ACP5 is on the minus strand). VCF-style: chr19-11577130-G-A. GRCh37 (hg19) VCF-style: chr19-11687945-G-A.
Other names: c.188C>T, p.Ala63Val (NM_001111034.3, NM_001111035.3, NM_001111036.3 and 1 more transcripts); short protein forms A63V.
Identifiers: ClinVar variation 2076933 (VCV002076933.4), dbSNP rs1420466522, ClinGen allele CA404149023.

ClinVar aggregate classification (germline): Uncertain significance (1 of 4 stars; one submission).

Conditions:
Spondyloenchondrodysplasia with immune dysregulation (SPENCDI). Also called: SPONDYLOENCHONDRODYSPLASIA WITH OR WITHOUT IMMUNE DYSREGULATION; ROIFMAN IMMUNOSKELETAL SYNDROME; COMBINED IMMUNODEFICIENCY WITH AUTOIMMUNITY AND SPONDYLOMETAPHYSEAL DYSPLASIA. Identifiers: Orphanet 1855, MedGen C1842763, MONDO:0011939, OMIM 607944.

Submission:

Labcorp Genetics (formerly Invitae), Labcorp
Classification: Uncertain significance for Spondyloenchondrodysplasia with immune dysregulation. Last evaluated: 2022-02-15. Review status: criteria provided, single submitter. Criteria: Invitae Variant Classification Sherloc (09022015). Collection method: clinical testing. Allele origin: germline.
Comment: In summary, the available evidence is currently insufficient to determine the role of this variant in disease. Therefore, it has been classified as a Variant of Uncertain Significance. This sequence change replaces alanine, which is neutral and non-polar, with valine, which is neutral and non-polar, at codon 63 of the ACP5 protein (p.Ala63Val). This variant is not present in population databases (gnomAD no frequency). This variant has not been reported in the literature in individuals affected with ACP5-related conditions. Algorithms developed to predict the effect of missense changes on protein structure and function are either unavailable or do not agree on the potential impact of this missense change (SIFT: "Not Available"; PolyPhen-2: "Benign"; Align-GVGD: "Not Available").